The following is an entry in ClinVar:

ClinVar aggregate classification (germline): Uncertain significance (1 of 4 stars; one submission).

gnomAD v4.1: 1 of 1,596,100 alleles (0.000063%); highest among the groups gnomAD compares: Non-Finnish European, 0.000085%; no homozygotes.

Submission:

Women's Health and Genetics/Laboratory Corporation of America, LabCorp
Classification: Uncertain significance. Last evaluated: 2026-06-12. Review status: criteria provided, single submitter. Criteria: LabCorp Variant Classification Summary - May 2015. Collection method: clinical testing. Allele origin: germline.
Comment: Variant summary: BRD4 c.1486A>G (p.Ser496Gly) results in a non-conservative amino acid change in the encoded protein sequence. Algorithms developed to predict the effect of missense changes on protein structure and function are either unavailable or do not agree on the potential impact of this missense change. The frequency data for this variant in gnomAD is considered unreliable, as metrics indicate poor data quality at this position. To our knowledge, no occurrence of c.1486A>G in individuals affected with BRD4-related conditions and no experimental evidence demonstrating its impact on protein function have been reported. No submitters have cited clinical-significance assessments for this variant to ClinVar. Based on the evidence outlined above, the variant was classified as uncertain significance.

NM_001379291.1(BRD4):c.1486A>G (p.Ser496Gly)

Gene: BRD4 (bromodomain containing 4; minus strand). Cytogenetic location: 19p13.12.
Variant type: single nucleotide variant.
Coding change: c.1486A>G on transcript NM_001379291.1 (MANE Select); coding-DNA position 1486, A replaced by G.
Protein change: p.Ser496Gly; replaces serine 496 with glycine.
Molecular consequence: missense variant.
Genome position (GRCh38, 1-based): chr19:15,257,029, T>C on the plus strand (A>G on the coding strand, the complement: BRD4 is on the minus strand). VCF-style: chr19-15257029-T-C. GRCh37 (hg19) VCF-style: chr19-15367840-T-C.
Other names: c.1486A>G, p.Ser496Gly (NM_001330384.2, NM_001379292.1, NM_014299.3 and 1 more transcripts); short protein forms S496G.
Identifiers: ClinVar variation 4887294 (VCV004887294.1).